The following is an entry in ClinVar:

NM_001110556.2(FLNA):c.2405-17_2405-3del

Gene: FLNA (filamin A; minus strand). Cytogenetic location: Xq28.
Variant type: Deletion.
Coding change: c.2405-17_2405-3del on transcript NM_001110556.2 (MANE Select); 17 bases into the intron before coding-DNA position 2405 through 3 bases into the intron before coding-DNA position 2405, 15 bases deleted (TCCTCTCCCCGCCGC).
Molecular consequence: intron variant.
Genome position (GRCh38, 1-based): chrX:154,362,581-154,362,595, GCGGCGGGGAGAGGA deleted on the plus strand (TCCTCTCCCCGCCGC on the coding strand, the reverse complement: FLNA is on the minus strand); deleting any 15 consecutive bases within chrX:154,362,581-154,362,599 gives the same sequence; the c. name uses the placement nearest the transcript's 3' end. VCF-style (leftmost placement, unchanged base first): chrX-154362580-TGCGGCGGGGAGAGGA-T. GRCh37 (hg19) VCF-style: chrX-153590948-TGCGGCGGGGAGAGGA-T.
Other names: c.2405-17_2405-3del (NM_001456.4).
Identifiers: ClinVar variation 1044280 (VCV001044280.9), dbSNP rs2067721254, ClinGen allele CA2466656898.

ClinVar aggregate classification (germline): Uncertain significance (1 of 4 stars; one submission).

Conditions:
Heterotopia, periventricular, X-linked dominant (PVNH1). Also called: PERIVENTRICULAR NODULAR HETEROTOPIA 1; X-linked periventricular heterotopia; PERIVENTRICULAR NODULAR HETEROTOPIA 4; HETEROTOPIA, PERIVENTRICULAR, 1. Identifiers: Orphanet 2149, Orphanet 82004, MedGen C1848213, MONDO:0010233, OMIM 300049.
Melnick-Needles syndrome (MNS). Also called: MELNICK-NEEDLES OSTEODYSPLASTY; OSTEODYSPLASTY OF MELNICK AND NEEDLES; Melnick-Needles Syndrome (FLNA-MNS). Identifiers: Orphanet 2484, MedGen C0025237, MONDO:0010650, OMIM 309350.
Frontometaphyseal dysplasia (FMD1). Identifiers: Orphanet 1826, MedGen C0265293, MONDO:0015942.
Oto-palato-digital syndrome, type II (OPD2). Also called: OPD II SYNDROME; FACIOPALATOOSSEOUS SYNDROME; Otopalatodigital Syndrome Type 2 (FLNA-OPD2); Otopalatodigital Syndrome, Type II. Identifiers: Orphanet 669, Orphanet 90652, MedGen C1844696, MONDO:0010571, OMIM 304120.

Submission:

Labcorp Genetics (formerly Invitae), Labcorp
Classification: Uncertain significance for Oto-palato-digital syndrome, type II; Heterotopia, periventricular, X-linked dominant; Frontometaphyseal dysplasia; Melnick-Needles syndrome. Last evaluated: 2020-08-14. Review status: criteria provided, single submitter. Criteria: Invitae Variant Classification Sherloc (09022015). Collection method: clinical testing. Allele origin: germline.
Comment: In summary, the available evidence is currently insufficient to determine the role of this variant in disease. Therefore, it has been classified as a Variant of Uncertain Significance. Algorithms developed to predict the effect of sequence changes on RNA splicing suggest that this variant may disrupt the consensus splice site, but this prediction has not been confirmed by published transcriptional studies. This variant has not been reported in the literature in individuals with FLNA-related conditions. This variant is not present in population databases (ExAC no frequency). This sequence change falls in intron 16 of the FLNA gene. It does not directly change the encoded amino acid sequence of the FLNA protein.